The following is an entry in ClinVar:

ClinVar aggregate classification (germline): Pathogenic/Likely pathogenic. Review status: criteria provided, multiple submitters, no conflicts (2 of 4 stars). 6 submissions from 6 submitters: Pathogenic (5); Likely pathogenic (1). Last evaluated 2025-07-28.

Conditions:
VPS13A-related neurodegenerative disease. Also called: ACANTHOCYTOSIS WITH NEUROLOGIC DISORDER; LEVINE-CRITCHLEY SYNDROME; VPS13A Disease; Choreaacanthocytosis; Choreoacanthocytosis; Chorea-acanthocytosis. Identifiers: Orphanet 2388, MedGen C0393576, MONDO:0008695, OMIM 200150.

Allele frequency attached by ClinVar (database versions not stated): gnomAD 0.00001; TOPMed 0.00002.
gnomAD v4.1: 24 of 1,613,672 alleles (0.0015%); highest among the groups gnomAD compares: South Asian, 0.0022%; no homozygotes.

Submissions (6):

Natera, Inc.
Classification: Pathogenic for Choreaacanthocytosis. Last evaluated: 2025-07-28. Review status: criteria provided, single submitter. Criteria: Natera Variant Classification Schema (03/2026). Collection method: clinical testing. Allele origin: germline.
Comment: The c.7867C>T variant in VPS13A is a nonsense variant predicted to introduce a stop codon at amino acid 2623. This variant is expected to result in nonsense mediated decay, truncation, or a dysfunctional protein product. This variant is rare in the general population with a frequency below the threshold expected for the associated phenotype(s). This variant has been observed in one or more individuals affected with the associated recessive disease, as either homozygous or compound heterozygous with a second variant (PMID: 15293285). Additionally, this variant has been observed to segregate in affected family members (PMID: 33652783). Given the available evidence, this variant is classified as Pathogenic.

Myriad Genetics, Inc.
Classification: Pathogenic for VPS13A-related neurodegenerative disease. Last evaluated: 2024-05-14. Review status: criteria provided, single submitter. Criteria: Myriad Autosomal Dominant, Autosomal Recessive and X-Linked Classification Criteria (2023). Collection method: clinical testing. Allele origin: unknown.
Comment: NM_033305.2(VPS13A):c.7867C>T(R2623*) is expected to be pathogenic in the context of VPS13A disease. This variant is predicted to lead to an abnormal or absent protein product due to the creation of a premature termination codon in VPS13A, a gene where loss-of-function variants are known to be pathogenic. Please note: this variant was assessed in the context of healthy population screening.

Labcorp Genetics (formerly Invitae), Labcorp
Classification: Pathogenic. Last evaluated: 2023-10-30. Review status: criteria provided, single submitter. Criteria: Invitae Variant Classification Sherloc (09022015). Collection method: clinical testing. Allele origin: germline.
Comment: This sequence change creates a premature translational stop signal (p.Arg2623*) in the VPS13A gene. It is expected to result in an absent or disrupted protein product. Loss-of-function variants in VPS13A are known to be pathogenic (PMID: 12404112, 21598378). This variant is present in population databases (no rsID available, gnomAD 0.003%). This premature translational stop signal has been observed in individuals with chorea-acanthocytosis (PMID: 12404112, 21598378). ClinVar contains an entry for this variant (Variation ID: 1458998). For these reasons, this variant has been classified as Pathogenic.

GeneDx
Classification: Pathogenic. Last evaluated: 2023-09-29. Review status: criteria provided, single submitter. Criteria: GeneDx Variant Classification Process June 2021. Collection method: clinical testing. Allele origin: germline. Affected: yes.
Comment: Nonsense variant predicted to result in protein truncation or nonsense mediated decay in a gene for which loss-of-function is a known mechanism of disease; Not observed at significant frequency in large population cohorts (gnomAD); Also suggested to be homozygous in a family described with acanthocytosis and neurological disorder based deduced haplotype analysis from testing available unaffected family members; the original affected family members were not tested as part of this study to confirm homozygosity (Velayos-Baeza et al., 2011); This variant is associated with the following publications: (PMID: 30713892, 24098554, 15914612, 25525159, 27742708, 12404112, 32494755, 33652783, 21598378, 21987550)

Revvity Omics, Revvity
Classification: Likely pathogenic for VPS13A-related neurodegenerative disease. Last evaluated: 2021-12-10. Review status: criteria provided, single submitter. Criteria: ACMG Guidelines, 2015. Collection method: clinical testing. Allele origin: germline.

Fulgent Genetics
Classification: Pathogenic for VPS13A-related neurodegenerative disease. Last evaluated: 2021-12-01. Review status: criteria provided, single submitter. Criteria: ACMG Guidelines, 2015. Collection method: clinical testing. Allele origin: unknown.

Literature cited by the submitters: PubMed 15293285 (cited by Natera, Inc.); PubMed 33652783 (cited by Natera, Inc.); PubMed 12404112 (cited by Labcorp Genetics (formerly Invitae), Labcorp); PubMed 21598378 (cited by Labcorp Genetics (formerly Invitae), Labcorp).

NM_033305.3(VPS13A):c.7867C>T (p.Arg2623Ter)

Gene: VPS13A (vacuolar protein sorting 13 homolog A; plus strand). Cytogenetic location: 9q21.2.
Variant type: single nucleotide variant.
Coding change: c.7867C>T on transcript NM_033305.3 (MANE Select); coding-DNA position 7867, C replaced by T.
Protein change: p.Arg2623Ter; replaces arginine 2623 with a stop codon.
Molecular consequence: nonsense.
Genome position (GRCh38, 1-based): chr9:77,357,752, C>T. VCF-style: chr9-77357752-C-T. GRCh37 (hg19) VCF-style: chr9-79972668-C-T.
Other names: c.7750C>T, p.Arg2584Ter (NM_001018037.2); c.7867C>T, p.Arg2623Ter (NM_001018038.3, NM_015186.4); c.7867C>T (NM_033305.2); short protein forms R2584*, R2623*.
Identifiers: ClinVar variation 1458998 (VCV001458998.15), dbSNP rs1055609567, ClinGen allele CA194394983.